The following is an entry in ClinVar:

ClinVar aggregate classification (germline): Likely benign. Review status: criteria provided, multiple submitters, no conflicts (2 of 4 stars). 3 submissions from 3 submitters: Likely benign (2). 1 of the submissions does not count toward it. Last evaluated 2018-05-04.

Conditions:
RREB1-related disorder. Also called: RREB1-related condition.

Allele frequency attached by ClinVar (database versions not stated): ExAC 0.00004; gnomAD exomes 0.00004; gnomAD 0.00011 and 0.00016; TOPMed 0.00011; ESP Exome Variant Server 0.00015; 1000 Genomes Project 30x 0.00016; 1000 Genomes Project 0.00020.
gnomAD v4.1: 102 of 1,607,436 alleles (0.0063%); highest among the groups gnomAD compares: African/African-American, 0.08%; 1 homozygote.

Submissions (3):

Labcorp Genetics (formerly Invitae), Labcorp
Classification: Likely benign. Last evaluated: 2018-05-04. Review status: criteria provided, single submitter. Criteria: Invitae Variant Classification Sherloc (09022015). Collection method: clinical testing. Allele origin: germline.

Breakthrough Genomics
Classification: Likely benign. Review status: criteria provided, single submitter. Criteria: ACMG Guidelines, 2015. Collection method: not provided. Allele origin: germline. Inheritance: Unknown mechanism. Affected: yes.

PreventionGenetics, part of Exact Sciences
Classification: Likely benign for RREB1-related condition. Last evaluated: 2019-06-21. Review status: no assertion criteria provided. Collection method: clinical testing. Allele origin: germline. Not counted in ClinVar's aggregate classification.
Comment: This variant is classified as likely benign based on ACMG/AMP sequence variant interpretation guidelines (Richards et al. 2015 PMID: 25741868, with internal and published modifications).

NM_001003699.4(RREB1):c.1887G>A (p.Ala629=)

Gene: RREB1 (ras responsive element binding protein 1; plus strand). Cytogenetic location: 6p24.3.
Variant type: single nucleotide variant.
Coding change: c.1887G>A on transcript NM_001003699.4 (MANE Select); coding-DNA position 1887, G replaced by A.
Protein change: p.Ala629=; no amino-acid change (alanine 629 retained).
Molecular consequence: synonymous variant.
Genome position (GRCh38, 1-based): chr6:7,229,986, G>A. VCF-style: chr6-7229986-G-A. GRCh37 (hg19) VCF-style: chr6-7230219-G-A.
Other names: c.1887G>A, p.Ala629= (NM_001003698.4, NM_001003700.2, NM_001168344.2).
Identifiers: ClinVar variation 734734 (VCV000734734.6), dbSNP rs111355837, ClinGen allele CA3625671.